The following is an entry in ClinVar:

NM_000742.4(CHRNA2):c.479T>C (p.Met160Thr)

Gene: CHRNA2 (cholinergic receptor nicotinic alpha 2 subunit; minus strand). Cytogenetic location: 8p21.2.
Variant type: single nucleotide variant.
Coding change: c.479T>C on transcript NM_000742.4 (MANE Select); coding-DNA position 479, T replaced by C.
Protein change: p.Met160Thr; replaces methionine 160 with threonine.
Molecular consequence: missense variant. On other transcripts: initiator codon variant (2), intron variant (2).
Genome position (GRCh38, 1-based): chr8:27,463,964, A>G on the plus strand (T>C on the coding strand, the complement: CHRNA2 is on the minus strand). VCF-style: chr8-27463964-A-G. GRCh37 (hg19) VCF-style: chr8-27321481-A-G.
Other names: c.434T>C, p.Met145Thr (NM_001282455.2); c.2T>C, p.Met1Thr (NM_001347705.2, NM_001347706.2); c.-12-104T>C (NM_001347708.2); c.-9-107T>C (NM_001347707.2); short protein forms M145T, M160T, M1T.
Identifiers: ClinVar variation 5037532 (VCV005037532.1).

ClinVar aggregate classification (germline): Uncertain significance (1 of 4 stars; one submission).

Submission:

GeneDx
Classification: Uncertain significance. Last evaluated: 2026-04-24. Review status: criteria provided, single submitter. Criteria: GeneDx Variant Classification Process June 2021. Collection method: clinical testing. Allele origin: germline.
Comment: Not observed at significant frequency in large population cohorts (gnomAD); In silico analysis supports that this missense variant has a deleterious effect on protein structure/function; Has not been previously published as pathogenic or benign to our knowledge